The following is an entry in ClinVar:

ClinVar aggregate classification (germline): Uncertain significance (1 of 4 stars; one submission).

Conditions:
Inborn genetic diseases. Identifiers: MedGen C0950123, MeSH D030342.

Submission:

Ambry Genetics
Classification: Uncertain significance for Inborn genetic diseases. Last evaluated: 2025-08-22. Review status: criteria provided, single submitter. Criteria: Ambry Variant Classification Scheme 2023. Collection method: clinical testing. Allele origin: germline.
Comment: The p.A1190P variant (also known as c.3568G>C), located in coding exon 33 of the RTEL1 gene, results from a G to C substitution at nucleotide position 3568. The alanine at codon 1190 is replaced by proline, an amino acid with highly similar properties. This amino acid position is conserved. In addition, this alteration is predicted to be tolerated by in silico analysis. Based on the available evidence, the clinical significance of this variant remains unclear.

NM_001283009.2(RTEL1):c.3568G>C (p.Ala1190Pro)

Genes: RTEL1 (regulator of telomere elongation helicase 1; plus strand), RTEL1-TNFRSF6B (RTEL1-TNFRSF6B readthrough (NMD candidate); plus strand). Cytogenetic location: 20q13.33.
Variant type: single nucleotide variant.
Coding change: c.3568G>C on transcript NM_001283009.2 (MANE Select); coding-DNA position 3568, G replaced by C.
Protein change: p.Ala1190Pro; replaces alanine 1190 with proline.
Molecular consequence: missense variant. On other transcripts: non-coding transcript variant (1).
Genome position (GRCh38, 1-based): chr20:63,695,396, G>C. VCF-style: chr20-63695396-G-C. GRCh37 (hg19) VCF-style: chr20-62326749-G-C.
Other names: c.2899G>C, p.Ala967Pro (NM_001283010.1); c.3568G>C, p.Ala1190Pro (NM_016434.4); c.3640G>C, p.Ala1214Pro (NM_032957.5); short protein forms A1190P, A967P, A1214P.
Identifiers: ClinVar variation 4157684 (VCV004157684.1).
Genomic context (GRCh38, chr20:63,695,396, plus strand): 5'-CGGTCCGAGAAGACCGGGAAGACCCAGAGCAAGATCTCGTCCTTCCTTAGACAGAGGCCA[G>C]CAGGGACTGTGGGGGCGGGCGGTGAGGATGCAGGTCCCAGCCAGTCCTCAGGACCTCCCC-3'
Protein context (NP_001269938.1, residues 1180-1200): KISSFLRQRP[Ala1190Pro]GTVGAGGEDA